The following is an entry in ClinVar:

ClinVar aggregate classification (germline): Benign. Review status: criteria provided, single submitter (1 of 4 stars). 2 submissions from 2 submitters: Benign (1). 1 of the submissions does not count toward it. Last evaluated 2026-05-01.

Conditions:
MSH5-related disorder. Also called: MSH5-related condition.

Allele frequency attached by ClinVar (database versions not stated): 1000 Genomes Project 0.00160; 1000 Genomes Project 30x 0.00203; TOPMed 0.00576; gnomAD 0.00580; ExAC 0.00601; ESP Exome Variant Server 0.00630; gnomAD exomes 0.00900.
gnomAD v4.1: 13,820 of 1,597,438 alleles (0.87%); highest among the groups gnomAD compares: Non-Finnish European, 1.1%; 86 homozygotes.

Submissions (2):

CeGaT Center for Human Genetics Tuebingen
Classification: Benign. Last evaluated: 2026-05-01. Review status: criteria provided, single submitter. Criteria: CeGaT Center For Human Genetics Tuebingen Variant Classification Criteria Version 2. Collection method: clinical testing. Allele origin: germline. Affected: yes. Observed: 3 variant alleles.
Comment: MSH5: BP4, BS1, BS2

PreventionGenetics, part of Exact Sciences
Classification: Benign for MSH5-related condition. Last evaluated: 2019-09-16. Review status: no assertion criteria provided. Collection method: clinical testing. Allele origin: germline. Not counted in ClinVar's aggregate classification.
Comment: This variant is classified as benign based on ACMG/AMP sequence variant interpretation guidelines (Richards et al. 2015 PMID: 25741868, with internal and published modifications).

NM_172166.4(MSH5):c.1808A>G (p.Lys603Arg)

Genes: MSH5 (mutS homolog 5; plus strand), MSH5-SAPCD1 (MSH5-SAPCD1 readthrough (NMD candidate); plus strand). Cytogenetic location: 6p21.33.
Variant type: single nucleotide variant.
Coding change: c.1808A>G on transcript NM_172166.4 (MANE Select); coding-DNA position 1808, A replaced by G.
Protein change: p.Lys603Arg; replaces lysine 603 with arginine.
Molecular consequence: missense variant. On other transcripts: non-coding transcript variant (1).
Genome position (GRCh38, 1-based): chr6:31,760,212, A>G. VCF-style: chr6-31760212-A-G. GRCh37 (hg19) VCF-style: chr6-31727989-A-G.
Other names: c.1808A>G, p.Lys603Arg (NM_002441.5, NM_172165.4); c.1859A>G, p.Lys620Arg (NM_025259.6); c.1859A>G (NM_025259.5); short protein forms K603R, K620R.
Identifiers: ClinVar variation 2578996 (VCV002578996.26), dbSNP rs61748589, ClinGen allele CA3721433.